The following is an entry in ClinVar:

ClinVar aggregate classification (germline): Pathogenic (1 of 4 stars; one submission).

Conditions:
Neurofibromatosis, type 1 (NF1). Also called: NEUROFIBROMATOSIS, TYPE I, SOMATIC; VON RECKLINGHAUSEN DISEASE; Neurofibromatosis, type I; Peripheral type neurofibromatosis. Identifiers: Orphanet 636, MedGen C0027831, MONDO:0018975, OMIM 162200. Disease mechanism: loss of function.

Submission:

Labcorp Genetics (formerly Invitae), Labcorp
Classification: Pathogenic for Neurofibromatosis, type 1. Last evaluated: 2018-11-01. Review status: criteria provided, single submitter. Criteria: Invitae Variant Classification Sherloc (09022015). Collection method: clinical testing. Allele origin: germline.
Comment: This sequence change creates a premature translational stop signal (p.Lys2699*) in the NF1 gene. It is expected to result in an absent or disrupted protein product. For these reasons, this variant has been classified as Pathogenic. Loss-of-function variants in NF1 are known to be pathogenic (PMID: 10712197, 23913538). This variant has not been reported in the literature in individuals with NF1-related disease. This variant is not present in population databases (ExAC no frequency).

Literature cited by the submitters: PubMed 10712197; PubMed 23913538.

NM_001042492.3(NF1):c.8158A>T (p.Lys2720Ter)

Gene: NF1 (neurofibromin 1; plus strand). Cytogenetic location: 17q11.2.
Variant type: single nucleotide variant.
Coding change: c.8158A>T on transcript NM_001042492.3 (MANE Select); coding-DNA position 8158, A replaced by T.
Protein change: p.Lys2720Ter; replaces lysine 2720 with a stop codon.
Molecular consequence: nonsense.
Genome position (GRCh38, 1-based): chr17:31,359,013, A>T. VCF-style: chr17-31359013-A-T. GRCh37 (hg19) VCF-style: chr17-29686031-A-T.
Other names: c.8095A>T, p.Lys2699Ter (NM_000267.4); short protein forms K2720*, K2699*.
Identifiers: ClinVar variation 642603 (VCV000642603.5), dbSNP rs1597868832, ClinGen allele CA399204253.